The following is an entry in ClinVar:

NM_001369369.1(FOXN1):c.64G>T (p.Glu22Ter)

Gene: FOXN1 (forkhead box N1; plus strand). Cytogenetic location: 17q11.2.
Variant type: single nucleotide variant.
Coding change: c.64G>T on transcript NM_001369369.1 (MANE Select); coding-DNA position 64, G replaced by T.
Protein change: p.Glu22Ter; replaces glutamic acid 22 with a stop codon.
Molecular consequence: nonsense.
Genome position (GRCh38, 1-based): chr17:28,524,033, G>T. VCF-style: chr17-28524033-G-T. GRCh37 (hg19) VCF-style: chr17-26851051-G-T.
Other names: c.64G>T, p.Glu22Ter (NM_003593.3); short protein forms E22*.
Identifiers: ClinVar variation 1417126 (VCV001417126.6), dbSNP rs545707585, ClinGen allele CA398320179.
Genomic context (GRCh38, chr17:28,524,033, plus strand): 5'-GTGTCGCTACCCCCGCCGCAGTCTGACGTCACGCTGCCGGGCCCCACCAGACTGGAGGGC[G>T]AGCGCCAAGGGGACCTCATGCAGGCACCGGGCCTCCCAGGCTCCCCTGCCCCACAGAGTG-3'

ClinVar aggregate classification (germline): Pathogenic (1 of 4 stars; one submission).

Conditions:
T-cell immunodeficiency, congenital alopecia, and nail dystrophy. Also called: Congenital alopecia and nail dystrophy associated with severe functional T-cell immunodeficiency; Pignata Guarino syndrome. Identifiers: Orphanet 169095, MedGen C1866426, MONDO:0011132, OMIM 601705.

gnomAD v4.1: 2 of 1,612,082 alleles (0.00012%); highest among the groups gnomAD compares: Non-Finnish European, 0.00017%; no homozygotes.

Submission:

Labcorp Genetics (formerly Invitae), Labcorp
Classification: Pathogenic for T-cell immunodeficiency, congenital alopecia, and nail dystrophy. Last evaluated: 2025-08-18. Review status: criteria provided, single submitter. Criteria: Invitae Variant Classification Sherloc (09022015). Collection method: clinical testing. Allele origin: germline.
Comment: This sequence change creates a premature translational stop signal (p.Glu22*) in the FOXN1 gene. It is expected to result in an absent or disrupted protein product. Loss-of-function variants in FOXN1 are known to be pathogenic (PMID: 10206641, 15180707, 31447097). This variant is not present in population databases (gnomAD no frequency). This variant has not been reported in the literature in individuals affected with FOXN1-related conditions. ClinVar contains an entry for this variant (Variation ID: 1417126). Algorithms developed to predict the effect of sequence changes on RNA splicing suggest that this variant may disrupt the consensus splice site. For these reasons, this variant has been classified as Pathogenic.

Literature cited by the submitters: PubMed 10206641; PubMed 15180707; PubMed 31447097.